The following is an entry in ClinVar:

ClinVar aggregate classification (germline): Uncertain significance (1 of 4 stars; one submission).

Conditions:
Familial focal epilepsy with variable foci (FPEVF). Identifiers: Orphanet 98820, MedGen C1858477, MONDO:0020310.

Allele frequency attached by ClinVar (database versions not stated): gnomAD exomes 0.00001; ExAC 0.00002; TOPMed 0.00003; ESP Exome Variant Server 0.00008.

Submission:

Labcorp Genetics (formerly Invitae), Labcorp
Classification: Uncertain significance for Familial focal epilepsy with variable foci. Last evaluated: 2024-11-24. Review status: criteria provided, single submitter. Criteria: Invitae Variant Classification Sherloc (09022015). Collection method: clinical testing. Allele origin: germline.
Comment: This sequence change replaces isoleucine, which is neutral and non-polar, with valine, which is neutral and non-polar, at codon 242 of the DEPDC5 protein (p.Ile242Val). This variant is present in population databases (rs112040696, gnomAD 0.009%). This variant has not been reported in the literature in individuals affected with DEPDC5-related conditions. ClinVar contains an entry for this variant (Variation ID: 1405474). Experimental studies and prediction algorithms are not available or were not evaluated, and the functional significance of this variant is currently unknown. In summary, the available evidence is currently insufficient to determine the role of this variant in disease. Therefore, it has been classified as a Variant of Uncertain Significance.

NM_001242896.3(DEPDC5):c.724A>G (p.Ile242Val)

Gene: DEPDC5 (DEP domain containing 5, GATOR1 subcomplex subunit; plus strand). Cytogenetic location: 22q12.2.
Variant type: single nucleotide variant.
Coding change: c.724A>G on transcript NM_001242896.3 (MANE Select); coding-DNA position 724, A replaced by G.
Protein change: p.Ile242Val; replaces isoleucine 242 with valine.
Molecular consequence: missense variant. On other transcripts: non-coding transcript variant (5).
Genome position (GRCh38, 1-based): chr22:31,792,774, A>G. VCF-style: chr22-31792774-A-G. GRCh37 (hg19) VCF-style: chr22-32188760-A-G.
Other names: c.724A>G, p.Ile242Val (NM_001007188.4, NM_001136029.4, NM_001242897.2 and 7 more transcripts); c.640A>G, p.Ile214Val (NM_001369901.1, NM_001369902.1); short protein forms I214V, I242V.
Identifiers: ClinVar variation 1405474 (VCV001405474.6), dbSNP rs112040696, ClinGen allele CA10196092.